The following is an entry in ClinVar:

ClinVar aggregate classification (germline): Conflicting classifications of pathogenicity. Review status: criteria provided, conflicting classifications (1 of 4 stars). 6 submissions from 6 submitters: Uncertain significance (1); Likely benign (4). 1 of the submissions does not count toward it. Last evaluated 2026-01-11.

Conditions:
VPS13A-related neurodegenerative disease. Also called: LEVINE-CRITCHLEY SYNDROME; VPS13A Disease; ACANTHOCYTOSIS WITH NEUROLOGIC DISORDER; Choreoacanthocytosis; Chorea-acanthocytosis; Choreaacanthocytosis. Identifiers: Orphanet 2388, MedGen C0393576, MONDO:0008695, OMIM 200150.

Allele frequency attached by ClinVar (database versions not stated): ESP Exome Variant Server 0.00008; TOPMed 0.00010.
gnomAD v4.1: 248 of 1,610,108 alleles (0.015%); highest among the groups gnomAD compares: Non-Finnish European, 0.02%; no homozygotes.

Submissions (6):

Labcorp Genetics (formerly Invitae), Labcorp
Classification: Likely benign. Last evaluated: 2026-01-11. Review status: criteria provided, single submitter. Criteria: Invitae Variant Classification Sherloc (09022015). Collection method: clinical testing. Allele origin: germline.

Mayo Clinic Laboratories, Mayo Clinic
Classification: Likely benign. Last evaluated: 2025-03-19. Review status: criteria provided, single submitter. Criteria: ACMG Guidelines, 2015. Collection method: clinical testing. Allele origin: germline. Observed: 1 variant allele.
Comment: BP4, BP7

Blueprint Genetics
Classification: Likely benign. Last evaluated: 2024-04-22. Review status: criteria provided, single submitter. Criteria: ACMG Guidelines, 2015. Collection method: clinical testing. Allele origin: germline.

GeneDx
Classification: Likely benign. Last evaluated: 2021-02-05. Review status: criteria provided, single submitter. Criteria: GeneDx Variant Classification Process June 2021. Collection method: clinical testing. Allele origin: germline. Affected: yes.

Illumina Laboratory Services, Illumina
Classification: Uncertain significance for VPS13A-related neurodegenerative disease. Last evaluated: 2018-03-23. Review status: criteria provided, single submitter. Criteria: ICSL Variant Classification Criteria 13 December 2019. Collection method: clinical testing. Allele origin: germline.

Natera, Inc.
Classification: Uncertain significance for Choreaacanthocytosis. Last evaluated: 2019-11-06. Review status: no assertion criteria provided. Collection method: clinical testing. Allele origin: germline. Not counted in ClinVar's aggregate classification.

NM_033305.3(VPS13A):c.5532A>C (p.Thr1844=)

Gene: VPS13A (vacuolar protein sorting 13 homolog A; plus strand). Cytogenetic location: 9q21.2.
Variant type: single nucleotide variant.
Coding change: c.5532A>C on transcript NM_033305.3 (MANE Select); coding-DNA position 5532, A replaced by C.
Protein change: p.Thr1844=; no amino-acid change (threonine 1844 retained).
Molecular consequence: synonymous variant.
Genome position (GRCh38, 1-based): chr9:77,321,285, A>C. VCF-style: chr9-77321285-A-C. GRCh37 (hg19) VCF-style: chr9-79936201-A-C.
Other names: p.Thr1844=; c.5415A>C, p.Thr1805= (NM_001018037.2); c.5532A>C, p.Thr1844= (NM_001018038.3, NM_015186.4).
Identifiers: ClinVar variation 697930 (VCV000697930.20), dbSNP rs370144264, ClinGen allele CA5092804.